The following is an entry in ClinVar:

NM_000059.4(BRCA2):c.9265C>T (p.Pro3089Ser)

Gene: BRCA2 (BRCA2 DNA repair associated; plus strand). Cytogenetic location: 13q13.1.
Variant type: single nucleotide variant.
Coding change: c.9265C>T on transcript NM_000059.4 (MANE Select); coding-DNA position 9265, C replaced by T.
Protein change: p.Pro3089Ser; replaces proline 3089 with serine.
Molecular consequence: missense variant.
Genome position (GRCh38, 1-based): chr13:32,394,697, C>T. VCF-style: chr13-32394697-C-T. GRCh37 (hg19) VCF-style: chr13-32968834-C-T.
Other names: short protein forms P3089S.
Identifiers: ClinVar variation 802955 (VCV000802955.12), dbSNP rs1593199583, ClinGen allele CA387760739.

ClinVar aggregate classification (germline): Conflicting classifications of pathogenicity. Review status: criteria provided, conflicting classifications (1 of 4 stars). 3 submissions from 3 submitters: Uncertain significance (2); Likely benign (1). Last evaluated 2025-09-05.

Conditions:
Hereditary breast ovarian cancer syndrome. Also called: Breast and ovarian cancer; Hereditary breast and ovarian cancer syndrome (HBOC); Hereditary breast and/or ovarian cancer syndrome; BRCA1- and BRCA2-Associated Hereditary Breast and Ovarian Cancer; Hereditary breast and ovarian cancer; Hereditary breast and ovarian cancer syndrome. Identifiers: Orphanet 145, MedGen C0677776, MeSH D061325, MONDO:0003582. Disease mechanism: loss of function.
Hereditary cancer-predisposing syndrome. Also called: Hereditary Cancer Syndrome; Neoplastic Syndromes, Hereditary; Hereditary neoplastic syndrome; Tumor predisposition. Identifiers: Orphanet 140162, MedGen C0027672, MeSH D009386, MONDO:0015356.
Breast-ovarian cancer, familial, susceptibility to, 2 (BROVCA2). Also called: BRCA2 Hereditary Breast and Ovarian Cancer. Identifiers: Orphanet 145, MedGen C2675520, MONDO:0012933, OMIM 612555. Disease mechanism: loss of function.

Submissions (3):

Ambry Genetics
Classification: Likely benign for Hereditary cancer-predisposing syndrome. Last evaluated: 2025-09-05. Review status: criteria provided, single submitter. Criteria: Ambry Variant Classification Scheme 2023. Collection method: clinical testing. Allele origin: germline.

Labcorp Genetics (formerly Invitae), Labcorp
Classification: Uncertain significance for Hereditary breast ovarian cancer syndrome. Last evaluated: 2022-08-23. Review status: criteria provided, single submitter. Criteria: Invitae Variant Classification Sherloc (09022015). Collection method: clinical testing. Allele origin: germline.
Comment: This sequence change replaces proline, which is neutral and non-polar, with serine, which is neutral and polar, at codon 3089 of the BRCA2 protein (p.Pro3089Ser). In summary, the available evidence is currently insufficient to determine the role of this variant in disease. Therefore, it has been classified as a Variant of Uncertain Significance. Advanced modeling of protein sequence and biophysical properties (such as structural, functional, and spatial information, amino acid conservation, physicochemical variation, residue mobility, and thermodynamic stability) performed at Invitae indicates that this missense variant is not expected to disrupt BRCA2 protein function. ClinVar contains an entry for this variant (Variation ID: 802955). This variant has not been reported in the literature in individuals affected with BRCA2-related conditions. This variant is not present in population databases (gnomAD no frequency).

Mendelics
Classification: Uncertain significance for Breast-ovarian cancer, familial, susceptibility to, 2. Last evaluated: 2019-05-28. Review status: criteria provided, single submitter. Criteria: Mendelics Assertion Criteria 2017. Collection method: clinical testing. Allele origin: unknown.

Literature cited by the submitters: PubMed 39779848 (cited by Ambry Genetics); PubMed 39779857 (cited by Ambry Genetics).